The following is an entry in ClinVar:

ClinVar aggregate classification (germline): Pathogenic/Likely pathogenic. Review status: criteria provided, multiple submitters, no conflicts (2 of 4 stars). 3 submissions from 3 submitters: Pathogenic (1); Likely pathogenic (1). 1 of the submissions does not count toward it. Last evaluated 2025-03-11.

Conditions:
CDH1-related disorder. Also called: CDH1-related condition.
Hereditary diffuse gastric adenocarcinoma (HDGC). Also called: DIFFUSE GASTRIC AND LOBULAR BREAST CANCER SYNDROME. Identifiers: Orphanet 26106, MedGen C1708349, MONDO:0007648, OMIM 137215.

Submissions (3):

Department of Clinical Genetics, Copenhagen University Hospital, Rigshospitalet
Classification: Likely pathogenic for Hereditary diffuse gastric adenocarcinoma. Last evaluated: 2025-03-11. Review status: criteria provided, single submitter. Criteria: ACMG Guidelines, 2015. Collection method: clinical testing. Allele origin: germline.
Comment: The following ACMG criteria has been used: PM2_SUP; PVS1

Myriad Genetics, Inc.
Classification: Pathogenic for Hereditary diffuse gastric adenocarcinoma. Last evaluated: 2023-04-06. Review status: criteria provided, single submitter. Criteria: Myriad Autosomal Dominant, Autosomal Recessive and X-Linked Classification Criteria (2023). Collection method: clinical testing. Allele origin: unknown.
Comment: This variant is considered pathogenic. This variant creates a frameshift predicted to result in premature protein truncation.

PreventionGenetics, part of Exact Sciences
Classification: Pathogenic for CDH1-related condition. Last evaluated: 2024-01-29. Review status: no assertion criteria provided. Collection method: clinical testing. Allele origin: germline. Not counted in ClinVar's aggregate classification.
Comment: The CDH1 c.1541_1565delinsTGTAGT variant is predicted to result in a frameshift and premature protein termination (p.Asp514Valfs*2). To our knowledge, this variant has not been reported in the literature or in a large population database, indicating this variant is rare. This variant has been classified as pathogenic in ClinVar. Frameshift variants in CDH1 are expected to be pathogenic. This variant is interpreted as pathogenic.

NM_004360.5(CDH1):c.1541_1565delinsTGTAGT (p.Asp514_Thr522delinsValTer)

Gene: CDH1 (cadherin 1; plus strand). Cytogenetic location: 16q22.1.
Variant type: Indel.
Coding change: c.1541_1565delinsTGTAGT on transcript NM_004360.5 (MANE Select); coding-DNA positions 1541 to 1565, ACACATTTATGGAACAGAAAATAAC replaced by TGTAGT.
Protein change: p.Asp514_Thr522delinsValTer.
Molecular consequence: nonsense. On other transcripts: frameshift variant (1), initiator codon variant (1), 5 prime UTR variant (1).
Genome position (GRCh38, 1-based): chr16:68,815,735-68,815,759, ACACATTTATGGAACAGAAAATAAC replaced by TGTAGT. VCF-style: chr16-68815735-ACACATTTATGGAACAGAAAATAAC-TGTAGT. GRCh37 (hg19) VCF-style: chr16-68849638-ACACATTTATGGAACAGAAAATAAC-TGTAGT.
Other names: c.1358_1382delinsTGTAGT, p.Asp453_Thr461delinsValTer (NM_001317184.2); c.-8_17delinsTGTAGT, p.Met1fs (NM_001317185.2); c.-279_-255delinsTGTAGT (NM_001317186.2); c.1541_1565delinsTGTAGT (NM_004360.4); short protein forms M1fs.
Identifiers: ClinVar variation 2573265 (VCV002573265.5), dbSNP rs2543931410, ClinGen allele CA2580612861.